The following is an entry in ClinVar:

ClinVar aggregate classification (germline): Conflicting classifications of pathogenicity. Review status: criteria provided, conflicting classifications (1 of 4 stars). 2 submissions from 2 submitters: Pathogenic (1); Uncertain significance (1). Last evaluated 2026-01-15.

Conditions:
Hereditary cancer-predisposing syndrome. Also called: Neoplastic Syndromes, Hereditary; Hereditary neoplastic syndrome; Tumor predisposition; Hereditary Cancer Syndrome. Identifiers: Orphanet 140162, MedGen C0027672, MeSH D009386, MONDO:0015356.

Allele frequency attached by ClinVar (database versions not stated): TOPMed below 0.00001; gnomAD 0.00001.
gnomAD v4.1: 1 of 1,611,768 alleles (0.000062%); highest among the groups gnomAD compares: Non-Finnish European, 0.000085%; no homozygotes.

Submissions (2):

Ambry Genetics
Classification: Uncertain significance for Hereditary cancer-predisposing syndrome. Last evaluated: 2026-01-15. Review status: criteria provided, single submitter. Criteria: Ambry Variant Classification Scheme 2023. Collection method: clinical testing. Allele origin: germline.
Comment: The p.E709* variant (also known as c.2125G>T), located in coding exon 19 of the POLE gene, results from a G to T substitution at nucleotide position 2125. This changes the amino acid from a glutamic acid to a stop codon within coding exon 19. This alteration is expected to result in loss of function by premature protein truncation or nonsense-mediated mRNA decay. Although biallelic loss of function of POLE has been associated with autosomal recessive POLE deficiency, haploinsufficiency of POLE has not been established as a mechanism of disease for POLE-related polymerase proofreading-associated polyposis (PPAP) and POLE-related CMMRD-like syndrome. Based on the supporting evidence, this variant is expected to be causative of POLE deficiency when present along with a second pathogenic variant on the other allele; however, its clinical significance for PPAP and POLE-related CMMRD-like syndrome is unclear.

Labcorp Genetics (formerly Invitae), Labcorp
Classification: Pathogenic. Last evaluated: 2022-06-09. Review status: criteria provided, single submitter. Criteria: Invitae Variant Classification Sherloc (09022015). Collection method: clinical testing. Allele origin: germline.
Comment: This variant has not been reported in the literature in individuals affected with POLE-related conditions. For these reasons, this variant has been classified as Pathogenic. ClinVar contains an entry for this variant (Variation ID: 649184). This variant is present in population databases (no rsID available, gnomAD 0.007%). This sequence change creates a premature translational stop signal (p.Glu709*) in the POLE gene. It is expected to result in an absent or disrupted protein product. Loss-of-function variants in POLE are known to be pathogenic (PMID: 23230001, 25948378, 30503519).

Literature cited by the submitters: PubMed 35860951 (cited by Ambry Genetics); PubMed 23230001 (cited by Labcorp Genetics (formerly Invitae), Labcorp); PubMed 25948378 (cited by Labcorp Genetics (formerly Invitae), Labcorp); PubMed 30503519 (cited by Labcorp Genetics (formerly Invitae), Labcorp).

NM_006231.4(POLE):c.2125G>T (p.Glu709Ter)

Gene: POLE (DNA polymerase epsilon, catalytic subunit; minus strand). Cytogenetic location: 12q24.33.
Variant type: single nucleotide variant.
Coding change: c.2125G>T on transcript NM_006231.4 (MANE Select); coding-DNA position 2125, G replaced by T.
Protein change: p.Glu709Ter; replaces glutamic acid 709 with a stop codon.
Molecular consequence: nonsense.
Genome position (GRCh38, 1-based): chr12:132,668,404, C>A on the plus strand (G>T on the coding strand, the complement: POLE is on the minus strand). VCF-style: chr12-132668404-C-A. GRCh37 (hg19) VCF-style: chr12-133244990-C-A.
Other names: c.2125G>T (NM_006231.2); short protein forms E709*.
Identifiers: ClinVar variation 649184 (VCV000649184.9), dbSNP rs1367402208, ClinGen allele CA387353812.